The following is an entry in ClinVar:

NM_002296.4(LBR):c.1804T>C (p.Tyr602His)

Gene: LBR (lamin B receptor; minus strand). Cytogenetic location: 1q42.12.
Variant type: single nucleotide variant.
Coding change: c.1804T>C on transcript NM_002296.4 (MANE Select); coding-DNA position 1804, T replaced by C.
Protein change: p.Tyr602His; replaces tyrosine 602 with histidine.
Molecular consequence: missense variant.
Genome position (GRCh38, 1-based): chr1:225,403,347, A>G on the plus strand (T>C on the coding strand, the complement: LBR is on the minus strand). VCF-style: chr1-225403347-A-G. GRCh37 (hg19) VCF-style: chr1-225591049-A-G.
Other names: c.1804T>C, p.Tyr602His (NM_194442.3); short protein forms Y602H.
Identifiers: ClinVar variation 1941225 (VCV001941225.5), dbSNP rs762700017, ClinGen allele CA1417026.

ClinVar aggregate classification (germline): Uncertain significance (1 of 4 stars; one submission).

Allele frequency attached by ClinVar (database versions not stated): gnomAD exomes below 0.00001; ExAC 0.00001; gnomAD 0.00003; TOPMed 0.00003.
gnomAD v4.1: 10 of 1,613,834 alleles (0.00062%); highest among the groups gnomAD compares: African/African-American, 0.012%; no homozygotes.

Submission:

Labcorp Genetics (formerly Invitae), Labcorp
Classification: Uncertain significance. Last evaluated: 2022-06-25. Review status: criteria provided, single submitter. Criteria: Invitae Variant Classification Sherloc (09022015). Collection method: clinical testing. Allele origin: germline.
Comment: This sequence change replaces tyrosine, which is neutral and polar, with histidine, which is basic and polar, at codon 602 of the LBR protein (p.Tyr602His). This variant is present in population databases (rs762700017, gnomAD 0.007%). This variant has not been reported in the literature in individuals affected with LBR-related conditions. Advanced modeling of protein sequence and biophysical properties (such as structural, functional, and spatial information, amino acid conservation, physicochemical variation, residue mobility, and thermodynamic stability) performed at Invitae indicates that this missense variant is expected to disrupt LBR protein function. In summary, the available evidence is currently insufficient to determine the role of this variant in disease. Therefore, it has been classified as a Variant of Uncertain Significance.